The following is an entry in ClinVar:

NM_000532.5(PCCB):c.429+7G>A

Gene: PCCB (propionyl-CoA carboxylase subunit beta; plus strand). Cytogenetic location: 3q22.3.
Variant type: single nucleotide variant.
Coding change: c.429+7G>A on transcript NM_000532.5 (MANE Select); 7 bases into the intron after coding-DNA position 429, G replaced by A.
Molecular consequence: intron variant.
Genome position (GRCh38, 1-based): chr3:136,260,542, G>A. VCF-style: chr3-136260542-G-A. GRCh37 (hg19) VCF-style: chr3-135979384-G-A.
Other names: c.489+7G>A (NM_001178014.2).
Identifiers: ClinVar variation 343463 (VCV000343463.52), dbSNP rs201986472, ClinGen allele CA2631743.

ClinVar aggregate classification (germline): Conflicting classifications of pathogenicity. Review status: criteria provided, conflicting classifications (1 of 4 stars). 8 submissions from 8 submitters: Uncertain significance (1); Likely benign (6). 1 of the submissions does not count toward it. Last evaluated 2026-02-01.

Conditions:
Propionic acidemia (PROP). Also called: GLYCINEMIA, KETOTIC; HYPERGLYCINEMIA WITH KETOACIDOSIS AND LEUKOPENIA; KETOTIC HYPERGLYCINEMIA. Identifiers: Orphanet 35, MedGen C0268579, MONDO:0011628, OMIM 606054, HP:0003571.
PCCB-related disorder. Also called: PCCB-related condition.

Allele frequency attached by ClinVar (database versions not stated): ESP Exome Variant Server 0.00046; TOPMed 0.00052; gnomAD exomes 0.00060; gnomAD 0.00070 and 0.00073; ExAC 0.00077.
gnomAD v4.1: 1,024 of 1,607,904 alleles (0.064%); highest among the groups gnomAD compares: Non-Finnish European, 0.076%; 5 homozygotes.

Submissions (8):

CeGaT Center for Human Genetics Tuebingen
Classification: Likely benign. Last evaluated: 2026-02-01. Review status: criteria provided, single submitter. Criteria: CeGaT Center For Human Genetics Tuebingen Variant Classification Criteria Version 2. Collection method: clinical testing. Allele origin: germline. Affected: yes. Observed: 6 variant alleles.
Comment: PCCB: BP4, BS2

Labcorp Genetics (formerly Invitae), Labcorp
Classification: Likely benign for Propionic acidemia. Last evaluated: 2026-01-31. Review status: criteria provided, single submitter. Criteria: Invitae Variant Classification Sherloc (09022015). Collection method: clinical testing. Allele origin: germline.

PreventionGenetics, part of Exact Sciences
Classification: Likely benign for PCCB-related condition. Last evaluated: 2025-09-25. Review status: criteria provided, single submitter. Criteria: ACMG Guidelines, 2015. Collection method: clinical testing. Allele origin: germline.
Comment: This variant is classified as likely benign based on ACMG/AMP sequence variant interpretation guidelines (Richards et al. 2015 PMID: 25741868, with internal and published modifications).

Laboratory of Genetics, Children's Clinical University Hospital Latvia
Classification: Likely benign. Last evaluated: 2025-02-16. Review status: criteria provided, single submitter. Criteria: ACMG Guidelines, 2015. Collection method: clinical testing. Allele origin: germline. Affected: yes.

Blueprint Genetics
Classification: Likely benign. Last evaluated: 2024-11-26. Review status: criteria provided, single submitter. Criteria: ACMG Guidelines, 2015. Collection method: clinical testing. Allele origin: germline.

Illumina Laboratory Services, Illumina
Classification: Uncertain significance for Propionic acidemia. Last evaluated: 2018-01-13. Review status: criteria provided, single submitter. Criteria: ICSL Variant Classification Criteria 13 December 2019. Collection method: clinical testing. Allele origin: germline.

GeneDx
Classification: Likely benign. Last evaluated: 2017-07-27. Review status: criteria provided, single submitter. Criteria: GeneDx Variant Classification (06012015). Collection method: clinical testing. Allele origin: germline. Affected: yes.
Comment: This variant is considered likely benign or benign based on one or more of the following criteria: it is a conservative change, it occurs at a poorly conserved position in the protein, it is predicted to be benign by multiple in silico algorithms, and/or has population frequency not consistent with disease.

Natera, Inc.
Classification: Likely benign for Propionic acidemia. Last evaluated: 2019-11-11. Review status: no assertion criteria provided. Collection method: clinical testing. Allele origin: germline. Not counted in ClinVar's aggregate classification.